The following is an entry in ClinVar:

NM_022455.5(NSD1):c.8050G>A (p.Ala2684Thr)

Gene: NSD1 (nuclear receptor binding SET domain protein 1; plus strand). Cytogenetic location: 5q35.3.
Variant type: single nucleotide variant.
Coding change: c.8050G>A on transcript NM_022455.5 (MANE Select); coding-DNA position 8050, G replaced by A.
Protein change: p.Ala2684Thr; replaces alanine 2684 with threonine.
Molecular consequence: missense variant.
Genome position (GRCh38, 1-based): chr5:177,295,418, G>A. VCF-style: chr5-177295418-G-A. GRCh37 (hg19) VCF-style: chr5-176722419-G-A.
Other names: c.7177G>A, p.Ala2393Thr (NM_001365684.2, NM_001409308.1, NM_172349.5); c.8050G>A, p.Ala2684Thr (NM_001409301.1, NM_001409302.1, NM_001409303.1); c.7630G>A, p.Ala2544Thr (NM_001409304.1); c.7297G>A, p.Ala2433Thr (NM_001409305.1); c.7288G>A, p.Ala2430Thr (NM_001409306.1, NM_001409307.1); c.6928G>A, p.Ala2310Thr (NM_001409309.1); short protein forms A2684T, A2415T, A2310T, A2433T, A2544T, A2393T, A2430T.
Identifiers: ClinVar variation 392799 (VCV000392799.31), dbSNP rs188326949, ClinGen allele CA3578223.

ClinVar aggregate classification (germline): Benign/Likely benign. Review status: criteria provided, multiple submitters, no conflicts (2 of 4 stars). 4 submissions from 4 submitters: Benign (2); Likely benign (2). Last evaluated 2024-10-17.

Conditions:
Inborn genetic diseases. Identifiers: MedGen C0950123, MeSH D030342.

Allele frequency attached by ClinVar (database versions not stated): gnomAD 0.00001 and 0.00003; TOPMed 0.00004; gnomAD exomes 0.00005 and 0.00013; ExAC 0.00014; 1000 Genomes Project 30x 0.00031; 1000 Genomes Project 0.00040.
gnomAD v4.1: 69 of 1,614,152 alleles (0.0043%); highest among the groups gnomAD compares: East Asian, 0.15%; 1 homozygote.

Submissions (4):

Labcorp Genetics (formerly Invitae), Labcorp
Classification: Benign. Last evaluated: 2024-10-17. Review status: criteria provided, single submitter. Criteria: Invitae Variant Classification Sherloc (09022015). Collection method: clinical testing. Allele origin: germline.

CeGaT Center for Human Genetics Tuebingen
Classification: Benign. Last evaluated: 2022-04-01. Review status: criteria provided, single submitter. Criteria: CeGaT Center For Human Genetics Tuebingen Variant Classification Criteria Version 2. Collection method: clinical testing. Allele origin: germline. Affected: yes. Observed: 1 variant allele.
Comment: NSD1: BS1, BS2

Ambry Genetics
Classification: Likely benign for Inborn genetic diseases. Last evaluated: 2018-01-22. Review status: criteria provided, single submitter. Criteria: Ambry Variant Classification Scheme 2023. Collection method: clinical testing. Allele origin: germline.

GeneDx
Classification: Likely benign. Last evaluated: 2017-01-03. Review status: criteria provided, single submitter. Criteria: GeneDx Variant Classification (06012015). Collection method: clinical testing. Allele origin: germline. Affected: yes.
Comment: This variant is considered likely benign or benign based on one or more of the following criteria: it is a conservative change, it occurs at a poorly conserved position in the protein, it is predicted to be benign by multiple in silico algorithms, and/or has population frequency not consistent with disease.